The following is an entry in ClinVar:

ClinVar aggregate classification (germline): Uncertain significance. Review status: criteria provided, multiple submitters, no conflicts (2 of 4 stars). 2 submissions from 2 submitters: Uncertain significance (2). Last evaluated 2025-07-15.

Conditions:
Inborn genetic diseases. Identifiers: MedGen C0950123, MeSH D030342.

Allele frequency attached by ClinVar (database versions not stated): TOPMed 0.00002.
gnomAD v4.1: 12 of 1,614,002 alleles (0.00074%); highest among the groups gnomAD compares: Admixed American, 0.02%; no homozygotes.

Submissions (2):

Ambry Genetics
Classification: Uncertain significance for Inborn genetic diseases. Last evaluated: 2025-07-15. Review status: criteria provided, single submitter. Criteria: Ambry Variant Classification Scheme 2023. Collection method: clinical testing. Allele origin: germline.

Labcorp Genetics (formerly Invitae), Labcorp
Classification: Uncertain significance. Last evaluated: 2022-09-12. Review status: criteria provided, single submitter. Criteria: Invitae Variant Classification Sherloc (09022015). Collection method: clinical testing. Allele origin: germline.
Comment: ClinVar contains an entry for this variant (Variation ID: 1052376). This variant has not been reported in the literature in individuals affected with KIAA1549-related conditions. This variant is present in population databases (rs771354824, gnomAD 0.02%). This sequence change replaces arginine, which is basic and polar, with serine, which is neutral and polar, at codon 264 of the KIAA1549 protein (p.Arg264Ser). In summary, the available evidence is currently insufficient to determine the role of this variant in disease. Therefore, it has been classified as a Variant of Uncertain Significance. Algorithms developed to predict the effect of missense changes on protein structure and function are either unavailable or do not agree on the potential impact of this missense change (SIFT: "Deleterious"; PolyPhen-2: "Benign"; Align-GVGD: "Class C0").

NM_001164665.2(KIAA1549):c.792G>C (p.Arg264Ser)

Gene: KIAA1549 (KIAA1549; minus strand). Cytogenetic location: 7q34.
Variant type: single nucleotide variant.
Coding change: c.792G>C on transcript NM_001164665.2 (MANE Select); coding-DNA position 792, G replaced by C.
Protein change: p.Arg264Ser; replaces arginine 264 with serine.
Molecular consequence: missense variant.
Genome position (GRCh38, 1-based): chr7:138,918,834, C>G on the plus strand (G>C on the coding strand, the complement: KIAA1549 is on the minus strand). VCF-style: chr7-138918834-C-G. GRCh37 (hg19) VCF-style: chr7-138603580-C-G.
Other names: c.792G>C, p.Arg264Ser (NM_020910.3); c.792G>C (NM_001164665.1); short protein forms R264S.
Identifiers: ClinVar variation 1052376 (VCV001052376.8), dbSNP rs771354824, ClinGen allele CA4506867.
Genomic context (GRCh38, chr7:138,918,834, plus strand): 5'-GCTTAAAAAAAGGGTGGTTTCCACACCCTCTGTTAGGGAAGCCACAATCTCTGGCAGAGT[C>G]CTGCTTGATAAATGACTGTAAGCATCAGTAGGATAAAGCACCAAATTCCTGCCAGGAGTT-3'
Protein context (NP_001158137.1, residues 254-274): PTDAYSHLSS[Arg264Ser]TLPEIVASLT